The following is an entry in ClinVar:

NM_000264.5(PTCH1):c.3450-3_3450del

Gene: PTCH1 (patched 1; minus strand). Cytogenetic location: 9q22.32.
Variant type: Deletion.
Coding change: c.3450-3_3450del on transcript NM_000264.5 (MANE Select); 3 bases into the intron before coding-DNA position 3450 through coding-DNA position 3450, 4 bases deleted (CAGG; older notation c.3450-3_3450delCAGG).
Molecular consequence: splice acceptor variant.
Genome position (GRCh38, 1-based): chr9:95,449,940-95,449,943, CCTG deleted on the plus strand (CAGG on the coding strand, the reverse complement: PTCH1 is on the minus strand). VCF-style (leftmost placement, unchanged base first): chr9-95449939-ACCTG-A. GRCh37 (hg19) VCF-style: chr9-98212221-ACCTG-A.
Other names: c.3447-3_3447del (NM_001083603.3); c.3252-3_3252del (NM_001083602.3); c.3294-3_3294del (NM_001354918.2); c.2997-3_2997del (NM_001083605.3, NM_001083604.3, NM_001083606.3 and 1 more transcripts).
Identifiers: ClinVar variation 4722474 (VCV004722474.1).

ClinVar aggregate classification (germline): Likely pathogenic (1 of 4 stars; one submission).

Conditions:
Gorlin syndrome. Also called: Basal cell nevus syndrome; Nevoid Basal Cell Carcinoma Syndrome. Identifiers: Orphanet 377, MedGen C0004779, MONDO:0007187.

Submission:

Labcorp Genetics (formerly Invitae), Labcorp
Classification: Likely pathogenic for Gorlin syndrome. Last evaluated: 2025-07-02. Review status: criteria provided, single submitter. Criteria: Invitae Variant Classification Sherloc (09022015). Collection method: clinical testing. Allele origin: germline.
Comment: This variant results in the deletion of part of exon 21 (c.3450-3_3450del) of the PTCH1 gene. It is expected to disrupt RNA splicing. Variants that disrupt the donor or acceptor splice site typically lead to a loss of protein function (PMID: 16199547), and loss-of-function variants in PTCH1 are known to be pathogenic (PMID: 16301862, 16419085). This variant is not present in population databases (gnomAD no frequency). This variant has not been reported in the literature in individuals affected with PTCH1-related conditions. Algorithms developed to predict the effect of sequence changes on RNA splicing suggest that this variant may disrupt the consensus splice site. In summary, the currently available evidence indicates that the variant is pathogenic, but additional data are needed to prove that conclusively. Therefore, this variant has been classified as Likely Pathogenic.

Literature cited by the submitters: PubMed 16199547; PubMed 16301862; PubMed 16419085.